The following is an entry in ClinVar:

ClinVar aggregate classification (germline): Uncertain significance. Review status: criteria provided, multiple submitters, no conflicts (2 of 4 stars). 7 submissions from 7 submitters: Uncertain significance (6). 1 of the submissions does not count toward it. Last evaluated 2025-08-11.

Conditions:
Oligodontia-cancer predisposition syndrome. Also called: TOOTH AGENESIS-COLORECTAL CANCER SYNDROME. Identifiers: Orphanet 300576, MedGen C1837750, MONDO:0012075, OMIM 608615. Disease mechanism: loss of function.
Colorectal cancer. Also called: Colorectal cancer, somatic; Malignant Colorectal Neoplasm. Identifiers: MedGen C0346629, MONDO:0005575, OMIM 114500.
AXIN2-related disorder.
Hereditary cancer-predisposing syndrome. Also called: Neoplastic Syndromes, Hereditary; Hereditary neoplastic syndrome; Tumor predisposition; Hereditary Cancer Syndrome. Identifiers: Orphanet 140162, MedGen C0027672, MeSH D009386, MONDO:0015356.

Allele frequency attached by ClinVar (database versions not stated): gnomAD 0.00003; ESP Exome Variant Server 0.00008.
gnomAD v4.1: 8 of 1,611,834 alleles (0.0005%); highest among the groups gnomAD compares: African/African-American, 0.0094%; no homozygotes.

Submissions (7):

Labcorp Genetics (formerly Invitae), Labcorp
Classification: Uncertain significance for Oligodontia-cancer predisposition syndrome. Last evaluated: 2025-08-11. Review status: criteria provided, single submitter. Criteria: Invitae Variant Classification Sherloc (09022015). Collection method: clinical testing. Allele origin: germline.
Comment: This sequence change replaces serine, which is neutral and polar, with tryptophan, which is neutral and slightly polar, at codon 493 of the AXIN2 protein (p.Ser493Trp). This variant is present in population databases (rs367697282, gnomAD 0.02%). This variant has not been reported in the literature in individuals affected with AXIN2-related conditions. ClinVar contains an entry for this variant (Variation ID: 239989). An algorithm developed to predict the effect of missense changes on protein structure and function (PolyPhen-2) suggests that this variant is likely to be disruptive. In summary, the available evidence is currently insufficient to determine the role of this variant in disease. Therefore, it has been classified as a Variant of Uncertain Significance.

Quest Diagnostics Nichols Institute San Juan Capistrano
Classification: Uncertain significance. Last evaluated: 2024-10-24. Review status: criteria provided, single submitter. Criteria: Quest Diagnostics criteria. Collection method: clinical testing. Allele origin: unknown.
Comment: The AXIN2 c.1478C>G (p.Ser493Trp) variant has not been reported as a germline variant in individuals with AXIN2-related conditions in the published literature. The frequency of this variant in the general population, 0.00012 (3/24328 chromosomes in African/African American subpopulation (Genome Aggregation Database)), is higher than would generally be expected for pathogenic variants in this gene. Analysis of this variant using bioinformatics tools for the prediction of the effect of amino acid changes on protein structure and function yielded predictions that this variant is benign. Based on the available information, we are unable to determine the clinical significance of this variant.

Ambry Genetics
Classification: Uncertain significance for Hereditary cancer-predisposing syndrome. Last evaluated: 2024-03-01. Review status: criteria provided, single submitter. Criteria: Ambry Variant Classification Scheme 2023. Collection method: clinical testing. Allele origin: germline.
Comment: The p.S493W variant (also known as c.1478C>G), located in coding exon 5 of the AXIN2 gene, results from a C to G substitution at nucleotide position 1478. The serine at codon 493 is replaced by tryptophan, an amino acid with highly dissimilar properties. This amino acid position is poorly conserved in available vertebrate species. In addition, this alteration is predicted to be tolerated by in silico analysis. Since supporting evidence is limited at this time, the clinical significance of this alteration remains unclear.

Fulgent Genetics
Classification: Uncertain significance for Colorectal cancer; Oligodontia-cancer predisposition syndrome. Last evaluated: 2024-01-11. Review status: criteria provided, single submitter. Criteria: ACMG Guidelines, 2015. Collection method: clinical testing. Allele origin: germline.

Baylor Genetics
Classification: Uncertain significance for Colorectal cancer. Last evaluated: 2023-10-30. Review status: criteria provided, single submitter. Criteria: ACMG Guidelines, 2015. Collection method: clinical testing. Allele origin: unknown.

GeneDx
Classification: Uncertain significance. Last evaluated: 2017-05-09. Review status: criteria provided, single submitter. Criteria: GeneDx Variant Classification (06012015). Collection method: clinical testing. Allele origin: germline. Affected: yes.
Comment: This variant is denoted AXIN2 c.1478C>G at the cDNA level, p.Ser493Trp (S493W) at the protein level, and results in the change of a Serine to a Tryptophan (TCG>TGG). This variant has not, to our knowledge, been published in the literature as pathogenic or benign. AXIN2 Ser493Trp was not observed at a significant allele frequency in large population cohorts (NHLBI Exome Sequencing Project, The 1000 Genomes Consortium 2015, Lek 2016). Since Serine and Tryptophan differ in polarity, charge, size or other properties, this is considered a non-conservative amino acid substitution. AXIN2 Ser493Trp occurs at a position that is not conserved and is not located in a known functional domain. In silico analyses are inconsistent regarding the effect this variant may have on protein structure and function. Based on currently available evidence, it is unclear whether AXIN2 Ser493Trp is a pathogenic or benign variant. We consider it to be a variant of uncertain significance.

PreventionGenetics, part of Exact Sciences
Classification: Uncertain significance for AXIN2-related condition. Last evaluated: 2024-03-12. Review status: no assertion criteria provided. Collection method: clinical testing. Allele origin: germline. Not counted in ClinVar's aggregate classification.
Comment: The AXIN2 c.1478C>G variant is predicted to result in the amino acid substitution p.Ser493Trp. To our knowledge, this variant has not been reported in the literature. This variant is reported in 0.012% of alleles in individuals of African descent in gnomAD. This variant is interpreted as a variant of uncertain significance in ClinVar. At this time, the clinical significance of this variant is uncertain due to the absence of conclusive functional and genetic evidence.

Literature cited by the submitters: PubMed 31819260 (cited by Quest Diagnostics Nichols Institute San Juan Capistrano); PubMed 31721781 (cited by Quest Diagnostics Nichols Institute San Juan Capistrano).

NM_004655.4(AXIN2):c.1478C>G (p.Ser493Trp)

Gene: AXIN2 (axin 2; minus strand). Cytogenetic location: 17q24.1.
Variant type: single nucleotide variant.
Coding change: c.1478C>G on transcript NM_004655.4 (MANE Select); coding-DNA position 1478, C replaced by G.
Protein change: p.Ser493Trp; replaces serine 493 with tryptophan.
Molecular consequence: missense variant.
Genome position (GRCh38, 1-based): chr17:65,537,558, G>C on the plus strand (C>G on the coding strand, the complement: AXIN2 is on the minus strand). VCF-style: chr17-65537558-G-C. GRCh37 (hg19) VCF-style: chr17-63533676-G-C.
Other names: c.1478C>G (LRG_296t1); c.1478C>G, p.Ser493Trp (NM_001363813.1); short protein forms S493W.
Identifiers: ClinVar variation 239989 (VCV000239989.20), dbSNP rs367697282, ClinGen allele CA8718638.